The following is an entry in ClinVar:

ClinVar aggregate classification (germline): Pathogenic (1 of 4 stars; one submission).

Conditions:
Beckwith-Wiedemann syndrome (BWS). Also called: EMG SYNDROME; Exomphalos macroglossia gigantism syndrome. Identifiers: Orphanet 116, MedGen C0004903, MONDO:0007534, OMIM 130650.

Submission:

Labcorp Genetics (formerly Invitae), Labcorp
Classification: Pathogenic for Beckwith-Wiedemann syndrome. Last evaluated: 2018-05-14. Review status: criteria provided, single submitter. Criteria: Invitae Variant Classification Sherloc (09022015). Collection method: clinical testing. Allele origin: germline.
Comment: For these reasons, this variant has been classified as Pathogenic. Loss-of-function variants in CDKN1C are known to be pathogenic (PMID: 20503313). This variant has not been reported in the literature in individuals with CDKN1C-related disease. This variant is not present in population databases (ExAC no frequency). This sequence change creates a premature translational stop signal (p.Glu236*) in the CDKN1C gene. It is expected to result in an absent or disrupted protein product.

Literature cited by the submitters: PubMed 20503313.

NM_001122630.2(CDKN1C):c.673G>T (p.Glu225Ter)

Gene: CDKN1C (cyclin dependent kinase inhibitor 1C; minus strand). Cytogenetic location: 11p15.4.
Variant type: single nucleotide variant.
Coding change: c.673G>T on transcript NM_001122630.2 (MANE Select); coding-DNA position 673, G replaced by T.
Protein change: p.Glu225Ter; replaces glutamic acid 225 with a stop codon.
Molecular consequence: nonsense. On other transcripts: intron variant (1).
Genome position (GRCh38, 1-based): chr11:2,884,784, C>A on the plus strand (G>T on the coding strand, the complement: CDKN1C is on the minus strand). VCF-style: chr11-2884784-C-A. GRCh37 (hg19) VCF-style: chr11-2906014-C-A.
Other names: c.706G>T, p.Glu236Ter (LRG_533t1, NM_000076.2, NM_001362474.2); c.673G>T, p.Glu225Ter (NM_001122631.2); c.255+418G>T (NM_001362475.2); short protein forms E236*, E225*.
Identifiers: ClinVar variation 574120 (VCV000574120.6), dbSNP rs1564929426, ClinGen allele CA379145783.
Genomic context (GRCh38, chr11:2,884,784, plus strand): 5'-CCGCGGTGCCGGCCGCGGGACGTCCCGAAATCCCCGAGTGCAGCTGGTCAGCGAGAGGCT[C>A]CTGGCCGCGCTGCCCCTGGTTCGCGCCCTGCTCGGCGCTCTCTTGAGGCGCCGCGTCCGG-3'